The following is an entry in ClinVar:

NM_198578.4(LRRK2):c.5127C>G (p.Ile1709Met)

Gene: LRRK2 (leucine rich repeat kinase 2; plus strand). Cytogenetic location: 12q12.
Variant type: single nucleotide variant.
Coding change: c.5127C>G on transcript NM_198578.4 (MANE Select); coding-DNA position 5127, C replaced by G.
Protein change: p.Ile1709Met; replaces isoleucine 1709 with methionine.
Molecular consequence: missense variant.
Genome position (GRCh38, 1-based): chr12:40,321,145, C>G. VCF-style: chr12-40321145-C-G. GRCh37 (hg19) VCF-style: chr12-40714947-C-G.
Other names: short protein forms I1709M.
Identifiers: ClinVar variation 3291984 (VCV003291984.1).

ClinVar aggregate classification (germline): Uncertain significance (1 of 4 stars; one submission).

Conditions:
Inborn genetic diseases. Identifiers: MedGen C0950123, MeSH D030342.

Submission:

Ambry Genetics
Classification: Uncertain significance for Inborn genetic diseases. Last evaluated: 2024-05-01. Review status: criteria provided, single submitter. Criteria: Ambry Variant Classification Scheme 2023. Collection method: clinical testing. Allele origin: germline.
Comment: The p.I1709M variant (also known as c.5127C>G), located in coding exon 35 of the LRRK2 gene, results from a C to G substitution at nucleotide position 5127. The isoleucine at codon 1709 is replaced by methionine, an amino acid with highly similar properties. This amino acid position is conserved. In addition, this alteration is predicted to be deleterious by in silico analysis. Based on the available evidence, the clinical significance of this variant remains unclear.